The following is an entry in ClinVar:

ClinVar aggregate classification (germline): Uncertain significance (1 of 4 stars; one submission).

gnomAD v4.1: 1 of 1,613,214 alleles (0.000062%); highest among the groups gnomAD compares: South Asian, 0.0011%; no homozygotes.

Submission:

GeneDx
Classification: Uncertain significance. Last evaluated: 2024-10-11. Review status: criteria provided, single submitter. Criteria: GeneDx Variant Classification Process June 2021. Collection method: clinical testing. Allele origin: germline. Affected: yes.
Comment: Not observed at significant frequency in large population cohorts (gnomAD); In silico analysis supports that this missense variant has a deleterious effect on protein structure/function; Has not been previously published as pathogenic or benign to our knowledge

NM_001690.4(ATP6V1A):c.721G>T (p.Val241Phe)

Gene: ATP6V1A (ATPase H+ transporting V1 subunit A; plus strand). Cytogenetic location: 3q13.31.
Variant type: single nucleotide variant.
Coding change: c.721G>T on transcript NM_001690.4 (MANE Select); coding-DNA position 721, G replaced by T.
Protein change: p.Val241Phe; replaces valine 241 with phenylalanine.
Molecular consequence: missense variant.
Genome position (GRCh38, 1-based): chr3:113,788,717, G>T. VCF-style: chr3-113788717-G-T. GRCh37 (hg19) VCF-style: chr3-113507564-G-T.
Other names: short protein forms V241F.
Identifiers: ClinVar variation 3777652 (VCV003777652.1).